The following is an entry in ClinVar:

ClinVar aggregate classification (germline): Uncertain significance (1 of 4 stars; one submission).

Conditions:
Immunodeficiency 67. Also called: Immunodeficiency due to interleukin-1 receptor-associated kinase-4 deficiency. Identifiers: Orphanet 70592, MedGen C1843256, MONDO:0011888, OMIM 607676.

Allele frequency attached by ClinVar (database versions not stated): gnomAD exomes 0.00001; ExAC 0.00002.
gnomAD v4.1: 5 of 1,613,470 alleles (0.00031%); highest among the groups gnomAD compares: East Asian, 0.011%; no homozygotes.

Submission:

Labcorp Genetics (formerly Invitae), Labcorp
Classification: Uncertain significance for Immunodeficiency 67. Last evaluated: 2022-01-21. Review status: criteria provided, single submitter. Criteria: Invitae Variant Classification Sherloc (09022015). Collection method: clinical testing. Allele origin: germline.
Comment: This variant is present in population databases (rs752201648, gnomAD 0.03%). This variant has not been reported in the literature in individuals affected with IRAK4-related conditions. Algorithms developed to predict the effect of missense changes on protein structure and function (SIFT, PolyPhen-2, Align-GVGD) all suggest that this variant is likely to be tolerated. In summary, the available evidence is currently insufficient to determine the role of this variant in disease. Therefore, it has been classified as a Variant of Uncertain Significance. This sequence change replaces lysine, which is basic and polar, with asparagine, which is neutral and polar, at codon 443 of the IRAK4 protein (p.Lys443Asn).

NM_016123.4(IRAK4):c.1329G>C (p.Lys443Asn)

Gene: IRAK4 (interleukin 1 receptor associated kinase 4; plus strand). Cytogenetic location: 12q12.
Variant type: single nucleotide variant.
Coding change: c.1329G>C on transcript NM_016123.4 (MANE Select); coding-DNA position 1329, G replaced by C.
Protein change: p.Lys443Asn; replaces lysine 443 with asparagine.
Molecular consequence: missense variant.
Genome position (GRCh38, 1-based): chr12:43,786,539, G>C. VCF-style: chr12-43786539-G-C. GRCh37 (hg19) VCF-style: chr12-44180342-G-C.
Other names: c.1329G>C, p.Lys443Asn (NM_001114182.3, NM_001351345.2); c.957G>C, p.Lys319Asn (NM_001145256.2, NM_001145257.2, NM_001145258.2 and 5 more transcripts); c.720G>C, p.Lys240Asn (NM_001351343.2, NM_001351344.2); short protein forms K240N, K319N, K443N.
Identifiers: ClinVar variation 2173005 (VCV002173005.3), dbSNP rs752201648, ClinGen allele CA6522638.